The following is an entry in ClinVar:

ClinVar aggregate classification (germline): Uncertain significance (1 of 4 stars; one submission).

Conditions:
Inborn genetic diseases. Identifiers: MedGen C0950123, MeSH D030342.

Submission:

Ambry Genetics
Classification: Uncertain significance for Inborn genetic diseases. Last evaluated: 2022-09-12. Review status: criteria provided, single submitter. Criteria: Ambry Variant Classification Scheme 2023. Collection method: clinical testing. Allele origin: germline.
Comment: The p.P222L variant (also known as c.665C>T), located in coding exon 2 of the SLC52A2 gene, results from a C to T substitution at nucleotide position 665. The proline at codon 222 is replaced by leucine, an amino acid with similar properties. This amino acid position is conserved. In addition, this alteration is predicted to be tolerated by in silico analysis. Since supporting evidence is limited at this time, the clinical significance of this alteration remains unclear.

NM_001363118.2(SLC52A2):c.665C>T (p.Pro222Leu)

Gene: SLC52A2 (solute carrier family 52 member 2; plus strand). Cytogenetic location: 8q24.3.
Variant type: single nucleotide variant.
Coding change: c.665C>T on transcript NM_001363118.2 (MANE Select); coding-DNA position 665, C replaced by T.
Protein change: p.Pro222Leu; replaces proline 222 with leucine.
Molecular consequence: missense variant. On other transcripts: non-coding transcript variant (1).
Genome position (GRCh38, 1-based): chr8:144,360,157, C>T. VCF-style: chr8-144360157-C-T. GRCh37 (hg19) VCF-style: chr8-145583817-C-T.
Other names: c.665C>T, p.Pro222Leu (NM_001253815.2, NM_001253816.2, NM_001363120.2 and 2 more transcripts); c.173C>T, p.Pro58Leu (NM_001363122.2); c.401C>T, p.Pro134Leu (NM_001410949.1); short protein forms P222L, P134L, P58L.
Identifiers: ClinVar variation 1754726 (VCV001754726.2), dbSNP rs2489043679, ClinGen allele CA372627607.
Genomic context (GRCh38, chr8:144,360,157, plus strand): 5'-CCCTTCTGGTCGCTTCAGCTGCTGCCTTCCAGGGTCTTCTGCTGCTGTTGCCGCCACCAC[C>T]ATCTGTACCCACAGGGGAGTTAGGATCAGGCCTCCAGGTGGGAGCCCCAGGAGCAGAGGA-3'
Protein context (NP_001350047.1, residues 212-232): QGLLLLLPPP[Pro222Leu]SVPTGELGSG